The following is an entry in ClinVar:

NM_021224.6(ZNF462):c.4609C>T (p.Arg1537Ter)

Gene: ZNF462 (zinc finger protein 462; plus strand). Cytogenetic location: 9q31.2.
Variant type: single nucleotide variant.
Coding change: c.4609C>T on transcript NM_021224.6 (MANE Select); coding-DNA position 4609, C replaced by T.
Protein change: p.Arg1537Ter; replaces arginine 1537 with a stop codon.
Molecular consequence: nonsense. On other transcripts: intron variant (1).
Genome position (GRCh38, 1-based): chr9:106,928,521, C>T. VCF-style: chr9-106928521-C-T. GRCh37 (hg19) VCF-style: chr9-109690802-C-T.
Other names: c.3252+1357C>T (NM_001347997.2); short protein forms R1537*.
Identifiers: ClinVar variation 3476091 (VCV003476091.3).

ClinVar aggregate classification (germline): Pathogenic/Likely pathogenic. Review status: criteria provided, multiple submitters, no conflicts (2 of 4 stars). 3 submissions from 3 submitters: Pathogenic (2); Likely pathogenic (1). Last evaluated 2025-01-31.

Conditions:
Inborn genetic diseases. Identifiers: MedGen C0950123, MeSH D030342.
ZNF462-related disorder. Also called: ZNF462-related condition; ZNF462 related disease.

Submissions (3):

GeneDx
Classification: Pathogenic. Last evaluated: 2025-01-31. Review status: criteria provided, single submitter. Criteria: GeneDx Variant Classification Process June 2021. Collection method: clinical testing. Allele origin: germline. Affected: yes.
Comment: Nonsense variant predicted to result in protein truncation or nonsense mediated decay in a gene for which loss of function is a known mechanism of disease; Not observed at significant frequency in large population cohorts (gnomAD); Has not been previously published as pathogenic or benign to our knowledge

Ambry Genetics
Classification: Pathogenic for Inborn genetic diseases. Last evaluated: 2024-10-18. Review status: criteria provided, single submitter. Criteria: Ambry Variant Classification Scheme 2023. Collection method: clinical testing. Allele origin: germline.
Comment: The c.4609C>T (p.R1537*) alteration, located in exon 3 (coding exon 2) of the ZNF462 gene, consists of a C to T substitution at nucleotide position 4609. This changes the amino acid from an arginine (R) to a stop codon at amino acid position 1537. This alteration is expected to result in loss of function by premature protein truncation or nonsense-mediated mRNA decay. This variant was not reported in population-based cohorts in the Genome Aggregation Database (gnomAD). Based on the available evidence, this alteration is classified as pathogenic.

Blueprint Genetics
Classification: Likely pathogenic for ZNF462-related disorders. Last evaluated: 2021-09-21. Review status: criteria provided, single submitter. Criteria: ACMG Guidelines, 2015. Collection method: clinical testing. Allele origin: germline. Affected: yes. Observed: 1 variant allele.